The following is an entry in ClinVar:

ClinVar aggregate classification (germline): Uncertain significance. Review status: criteria provided, multiple submitters, no conflicts (2 of 4 stars). 2 submissions from 2 submitters: Uncertain significance (2). Last evaluated 2025-12-23.

Conditions:
Inborn genetic diseases. Identifiers: MedGen C0950123, MeSH D030342.
Hereditary sensory and autonomic neuropathy type 7. Also called: Neuropathy, hereditary sensory and autonomic, type VII; HSAN VII. Identifiers: Orphanet 391397, MedGen C3809882, MONDO:0014244, OMIM 615548.
Familial episodic pain syndrome with predominantly lower limb involvement. Also called: Episodic pain syndrome, familial, 3. Identifiers: Orphanet 391384, Orphanet 391392, MedGen C3809899, MONDO:0014247, OMIM 615552.

Allele frequency attached by ClinVar (database versions not stated): gnomAD exomes 0.00001 and 0.00002; ExAC 0.00001; gnomAD 0.00001.

Submissions (2):

Labcorp Genetics (formerly Invitae), Labcorp
Classification: Uncertain significance for Familial episodic pain syndrome with predominantly lower limb involvement; Hereditary sensory and autonomic neuropathy type 7. Last evaluated: 2025-12-23. Review status: criteria provided, single submitter. Criteria: Invitae Variant Classification Sherloc (09022015). Collection method: clinical testing. Allele origin: germline.
Comment: This sequence change replaces histidine, which is basic and polar, with tyrosine, which is neutral and polar, at codon 509 of the SCN11A protein (p.His509Tyr). This variant is present in population databases (rs765328639, gnomAD 0.009%). This variant has not been reported in the literature in individuals affected with SCN11A-related conditions. ClinVar contains an entry for this variant (Variation ID: 853878). An algorithm developed to predict the effect of missense changes on protein structure and function outputs the following: PolyPhen-2: "Benign". The tyrosine amino acid residue is found in multiple mammalian species, which suggests that this missense change does not adversely affect protein function. In summary, the available evidence is currently insufficient to determine the role of this variant in disease. Therefore, it has been classified as a Variant of Uncertain Significance.

Ambry Genetics
Classification: Uncertain significance for Inborn genetic diseases. Last evaluated: 2024-08-04. Review status: criteria provided, single submitter. Criteria: Ambry Variant Classification Scheme 2023. Collection method: clinical testing. Allele origin: germline.

NM_001349253.2(SCN11A):c.1525C>T (p.His509Tyr)

Gene: SCN11A (sodium voltage-gated channel alpha subunit 11; minus strand). Cytogenetic location: 3p22.2.
Variant type: single nucleotide variant.
Coding change: c.1525C>T on transcript NM_001349253.2 (MANE Select); coding-DNA position 1525, C replaced by T.
Protein change: p.His509Tyr; replaces histidine 509 with tyrosine.
Molecular consequence: missense variant.
Genome position (GRCh38, 1-based): chr3:38,905,270, G>A on the plus strand (C>T on the coding strand, the complement: SCN11A is on the minus strand). VCF-style: chr3-38905270-G-A. GRCh37 (hg19) VCF-style: chr3-38946761-G-A.
Other names: c.1525C>T, p.His509Tyr (NM_014139.3); short protein forms H509Y.
Identifiers: ClinVar variation 853878 (VCV000853878.9), dbSNP rs765328639, ClinGen allele CA2322277.